The following is an entry in ClinVar:

NM_153240.5(NPHP3):c.393+18C>T

Genes: NPHP3-ACAD11 (NPHP3-ACAD11 readthrough (NMD candidate); minus strand), NPHP3 (nephrocystin 3; minus strand), NPHP3-AS1 (NPHP3 antisense RNA 1; plus strand). Cytogenetic location: 3q22.1.
Variant type: single nucleotide variant.
Coding change: c.393+18C>T on transcript NM_153240.5 (MANE Select); 18 bases into the intron after coding-DNA position 393, C replaced by T.
Molecular consequence: intron variant. On other transcripts: non-coding transcript variant (2).
Genome position (GRCh38, 1-based): chr3:132,721,945, G>A on the plus strand (C>T on the coding strand, the complement: NPHP3 is on the minus strand). VCF-style: chr3-132721945-G-A. GRCh37 (hg19) VCF-style: chr3-132440789-G-A.
Other names: p.?.
Identifiers: ClinVar variation 390921 (VCV000390921.15), dbSNP rs367765709, ClinGen allele CA2622641.

ClinVar aggregate classification (germline): Likely benign. Review status: criteria provided, multiple submitters, no conflicts (2 of 4 stars). 7 submissions from 7 submitters: Likely benign (5). 2 of the submissions do not count toward it. Last evaluated 2026-01-28.

Conditions:
Nephronophthisis. Also called: Juvenile Nephronophthisis. Identifiers: Orphanet 655, MedGen C0687120, MONDO:0019005, HP:0000090.
NPHP3-related Meckel-like syndrome. Also called: GOLDSTON SYNDROME; Meckel syndrome type 7. Identifiers: Orphanet 3032, MedGen C2673885, MONDO:0009966, OMIM 267010.
Renal-hepatic-pancreatic dysplasia 1 (RHPD1). Identifiers: MedGen C3715199, MONDO:0008833, OMIM 208540.
Nephronophthisis 3 (NPHP3). Also called: Adolescent nephronophthisis. Identifiers: Orphanet 655, MedGen C1858392, MONDO:0011456, OMIM 604387.

Allele frequency attached by ClinVar (database versions not stated): ExAC 0.00014; 1000 Genomes Project 30x 0.00016; 1000 Genomes Project 0.00020; ESP Exome Variant Server 0.00023; gnomAD 0.00038 and 0.00042; TOPMed 0.00049.
gnomAD v4.1: 172 of 1,611,062 alleles (0.011%); highest among the groups gnomAD compares: African/African-American, 0.12%; no homozygotes.

Submissions (7):

Labcorp Genetics (formerly Invitae), Labcorp
Classification: Likely benign for Nephronophthisis. Last evaluated: 2026-01-28. Review status: criteria provided, single submitter. Criteria: Invitae Variant Classification Sherloc (09022015). Collection method: clinical testing. Allele origin: germline.

Mayo Clinic Laboratories, Mayo Clinic
Classification: Likely benign. Last evaluated: 2024-12-19. Review status: criteria provided, single submitter. Criteria: ACMG Guidelines, 2015. Collection method: clinical testing. Allele origin: germline. Observed: 1 variant allele.
Comment: BS1, BP7

Blueprint Genetics
Classification: Likely benign. Last evaluated: 2023-05-30. Review status: criteria provided, single submitter. Criteria: ACMG Guidelines, 2015. Collection method: clinical testing. Allele origin: germline.

Fulgent Genetics
Classification: Likely benign for Renal-hepatic-pancreatic dysplasia 1; NPHP3-related Meckel-like syndrome; Nephronophthisis 3. Last evaluated: 2021-09-27. Review status: criteria provided, single submitter. Criteria: ACMG Guidelines, 2015. Collection method: clinical testing. Allele origin: unknown.

GeneDx
Classification: Likely benign. Last evaluated: 2016-12-01. Review status: criteria provided, single submitter. Criteria: GeneDx Variant Classification (06012015). Collection method: clinical testing. Allele origin: germline. Affected: yes.
Comment: This variant is considered likely benign or benign based on one or more of the following criteria: it is a conservative change, it occurs at a poorly conserved position in the protein, it is predicted to be benign by multiple in silico algorithms, and/or has population frequency not consistent with disease.

Clinical Genetics, Academic Medical Center
Classification: Benign. Review status: no assertion criteria provided. Collection method: clinical testing. Allele origin: germline. Affected: yes. Study: VKGL Data-share Consensus. Not counted in ClinVar's aggregate classification.

Genome Diagnostics Laboratory, University Medical Center Utrecht
Classification: Likely benign. Review status: no assertion criteria provided. Collection method: clinical testing. Allele origin: germline. Affected: yes. Study: VKGL Data-share Consensus. Not counted in ClinVar's aggregate classification.